The following is an entry in ClinVar:

NM_020771.4(HACE1):c.573C>T (p.Asn191=)

Gene: HACE1 (HECT domain and ankyrin repeat containing E3 ubiquitin protein ligase 1; minus strand). Cytogenetic location: 6q16.3.
Variant type: single nucleotide variant.
Coding change: c.573C>T on transcript NM_020771.4 (MANE Select); coding-DNA position 573, C replaced by T.
Protein change: p.Asn191=; no amino-acid change (asparagine 191 retained).
Molecular consequence: synonymous variant. On other transcripts: 5 prime UTR variant (1), non-coding transcript variant (5), intron variant (5).
Genome position (GRCh38, 1-based): chr6:104,811,355, G>A on the plus strand (C>T on the coding strand, the complement: HACE1 is on the minus strand). VCF-style: chr6-104811355-G-A. GRCh37 (hg19) VCF-style: chr6-105259230-G-A.
Other names: c.441C>T, p.Asn147= (NM_001321080.2); c.471C>T, p.Asn157= (NM_001321083.2); c.339C>T, p.Asn113= (NM_001350554.2); c.87C>T, p.Asn29= (NM_001350556.2); c.-211C>T (NM_001350560.2); c.327-14330C>T (NM_001350555.2); c.114-14330C>T (NM_001350557.2, NM_001350558.2, NM_001321084.2); c.36-14330C>T (NM_001350559.2).
Identifiers: ClinVar variation 2155109 (VCV002155109.8), dbSNP rs544979242, ClinGen allele CA3940515.

ClinVar aggregate classification (germline): Likely benign. Review status: criteria provided, multiple submitters, no conflicts (2 of 4 stars). 2 submissions from 2 submitters: Likely benign (2). Last evaluated 2026-02-01.

Allele frequency attached by ClinVar (database versions not stated): gnomAD 0.00007; ExAC 0.00008; TOPMed 0.00009.
gnomAD v4.1: 171 of 1,553,600 alleles (0.011%); highest among the groups gnomAD compares: Non-Finnish European, 0.015%; no homozygotes.

Submissions (2):

CeGaT Center for Human Genetics Tuebingen
Classification: Likely benign. Last evaluated: 2026-02-01. Review status: criteria provided, single submitter. Criteria: CeGaT Center For Human Genetics Tuebingen Variant Classification Criteria Version 2. Collection method: clinical testing. Allele origin: germline. Affected: yes. Observed: 1 variant allele.
Comment: HACE1: BP4, BP7

Labcorp Genetics (formerly Invitae), Labcorp
Classification: Likely benign. Last evaluated: 2022-05-20. Review status: criteria provided, single submitter. Criteria: Invitae Variant Classification Sherloc (09022015). Collection method: clinical testing. Allele origin: germline.